The following is an entry in ClinVar:

ClinVar aggregate classification (germline): Benign (1 of 4 stars; one submission).

Conditions:
Congenital isolated adrenocorticotropic hormone deficiency. Also called: ACTH deficiency; Adrenocorticotropic hormone deficiency; ACTH DEFICIENCY, ISOLATED. Identifiers: Orphanet 199296, MedGen C0342388, MONDO:0008720, OMIM 201400, HP:0011748.

Allele frequency attached by ClinVar (database versions not stated): gnomAD exomes 0.00040; ExAC 0.00050; 1000 Genomes Project 0.00140; 1000 Genomes Project 30x 0.00141; ESP Exome Variant Server 0.00169; gnomAD 0.00190 and 0.00201; TOPMed 0.00227.
gnomAD v4.1: 557 of 1,613,592 alleles (0.035%); highest among the groups gnomAD compares: African/African-American, 0.61%; 1 homozygote.

Submission:

Illumina Laboratory Services, Illumina
Classification: Benign for Congenital isolated adrenocorticotropic hormone deficiency. Last evaluated: 2017-04-27. Review status: criteria provided, single submitter. Criteria: ICSL Variant Classification Criteria 13 December 2019. Collection method: clinical testing. Allele origin: germline.
Comment: This variant was observed as part of a predisposition screen in an ostensibly healthy population. A literature search was performed for the gene, cDNA change, and amino acid change (where applicable). No publications were found based on this search. Allele frequency data from public databases was too high to be consistent with this variant causing disease. Therefore, this variant is classified as benign.

NM_005149.3(TBX19):c.-21G>A

Gene: TBX19 (T-box transcription factor 19; plus strand). Cytogenetic location: 1q24.2.
Variant type: single nucleotide variant.
Coding change: c.-21G>A on transcript NM_005149.3 (MANE Select); 21 bases upstream of the start codon, G replaced by A.
Molecular consequence: 5 prime UTR variant.
Genome position (GRCh38, 1-based): chr1:168,281,070, G>A. VCF-style: chr1-168281070-G-A. GRCh37 (hg19) VCF-style: chr1-168250308-G-A.
Identifiers: ClinVar variation 875847 (VCV000875847.4), dbSNP rs187423054, ClinGen allele CA1230371.